The following is an entry in ClinVar:

NM_004281.4(BAG3):c.1015A>G (p.Ile339Val)

Gene: BAG3 (BAG cochaperone 3; plus strand). Cytogenetic location: 10q26.11.
Variant type: single nucleotide variant.
Coding change: c.1015A>G on transcript NM_004281.4 (MANE Select); coding-DNA position 1015, A replaced by G.
Protein change: p.Ile339Val; replaces isoleucine 339 with valine.
Molecular consequence: missense variant.
Genome position (GRCh38, 1-based): chr10:119,676,569, A>G. VCF-style: chr10-119676569-A-G. GRCh37 (hg19) VCF-style: chr10-121436081-A-G.
Other names: short protein forms I339V.
Identifiers: ClinVar variation 228453 (VCV000228453.5), dbSNP rs757353917, ClinGen allele CA5716462.

ClinVar aggregate classification (germline): Uncertain significance. Review status: criteria provided, multiple submitters, no conflicts (2 of 4 stars). 2 submissions from 2 submitters: Uncertain significance (2). Last evaluated 2026-03-10.

Conditions:
Cardiovascular phenotype. Identifiers: MedGen CN230736.

Allele frequency attached by ClinVar (database versions not stated): gnomAD exomes below 0.00001; ExAC 0.00001.
gnomAD v4.1: 2 of 1,614,008 alleles (0.00012%); highest among the groups gnomAD compares: East Asian, 0.0045%; no homozygotes.

Submissions (2):

Ambry Genetics
Classification: Uncertain significance for Cardiovascular phenotype. Last evaluated: 2026-03-10. Review status: criteria provided, single submitter. Criteria: Ambry Variant Classification Scheme 2023. Collection method: clinical testing. Allele origin: germline.
Comment: The p.I339V variant (also known as c.1015A>G), located in coding exon 4 of the BAG3 gene, results from an A to G substitution at nucleotide position 1015. The isoleucine at codon 339 is replaced by valine, an amino acid with highly similar properties. This amino acid position is highly conserved in available vertebrate species. In addition, the in silico prediction for this alteration is inconclusive. Based on the available evidence, the clinical significance of this variant remains unclear.

Laboratory for Molecular Medicine, Mass General Brigham Personalized Medicine
Classification: Uncertain significance. Last evaluated: 2015-04-04. Review status: criteria provided, single submitter. Criteria: LMM Criteria. Collection method: clinical testing. Allele origin: germline. Observed: 1 variant allele.
Comment: The p.Ile339Val variant in BAG3 has not been previously reported in individuals with cardiomyopathy, but has been identified in 1/8646 East Asian chromosomes by the Exome Aggregation Consortium (ExAC). Compu tational prediction tools and conservation analysis do not provide strong suppor t for or against an impact to the protein, though one species (American alligato r) carries a valine (Val) at this position, raising the possibility that this ch ange may be tolerated. In summary, the clinical significance of the p.Ile339Val variant is uncertain.